The following is an entry in ClinVar:

NM_016203.4(PRKAG2):c.393C>T (p.Ser131=)

Gene: PRKAG2 (protein kinase AMP-activated non-catalytic subunit gamma 2; minus strand). Cytogenetic location: 7q36.1.
Variant type: single nucleotide variant.
Coding change: c.393C>T on transcript NM_016203.4 (MANE Select); coding-DNA position 393, C replaced by T.
Protein change: p.Ser131=; no amino-acid change (serine 131 retained).
Molecular consequence: synonymous variant.
Genome position (GRCh38, 1-based): chr7:151,781,225, G>A on the plus strand (C>T on the coding strand, the complement: PRKAG2 is on the minus strand). VCF-style: chr7-151781225-G-A. GRCh37 (hg19) VCF-style: chr7-151478311-G-A.
Other names: c.261C>T, p.Ser87= (NM_001040633.2).
Identifiers: ClinVar variation 378426 (VCV000378426.41), dbSNP rs1057520352, ClinGen allele CA16605285.

ClinVar aggregate classification (germline): Conflicting classifications of pathogenicity. Review status: criteria provided, conflicting classifications (1 of 4 stars). 8 submissions from 8 submitters: Uncertain significance (1); Likely benign (6). 1 of the submissions does not count toward it. Last evaluated 2025-08-12.

Conditions:
PRKAG2-related disorder. Also called: PRKAG2-related condition; PRKAG2-related disorders.
Cardiomyopathy (CMYO). Also called: Cardiomyopathies. Identifiers: Orphanet 167848, MedGen C0878544, MONDO:0004994, HP:0001638. Inheritance: Various modes of inheritance.
Lethal congenital glycogen storage disease of heart. Also called: PHOSPHORYLASE KINASE DEFICIENCY OF HEART; GLYCOGEN STORAGE DISEASE OF HEART. Identifiers: Orphanet 439854, MedGen C1849813, MONDO:0009867, OMIM 261740.
Hypertrophic cardiomyopathy. Also called: HYPERTROPHIC MYOCARDIOPATHY. Identifiers: Orphanet 217569, MedGen C0007194, MeSH D002312, MONDO:0005045, HP:0001639.
Cardiovascular phenotype. Identifiers: MedGen CN230736.

Allele frequency attached by ClinVar (database versions not stated): gnomAD exomes below 0.00001; gnomAD 0.00001; TOPMed 0.00001.
gnomAD v4.1: 6 of 1,613,972 alleles (0.00037%); highest among the groups gnomAD compares: Non-Finnish European, 0.00051%; no homozygotes.

Submissions (8):

Labcorp Genetics (formerly Invitae), Labcorp
Classification: Likely benign for Lethal congenital glycogen storage disease of heart. Last evaluated: 2025-08-12. Review status: criteria provided, single submitter. Criteria: Invitae Variant Classification Sherloc (09022015). Collection method: clinical testing. Allele origin: germline.

Color Diagnostics, LLC DBA Color Health
Classification: Likely benign for Cardiomyopathy. Last evaluated: 2025-07-07. Review status: criteria provided, single submitter. Criteria: ACMG Guidelines, 2015. Collection method: clinical testing. Allele origin: germline.

All of Us Research Program, National Institutes of Health
Classification: Uncertain significance for Hypertrophic cardiomyopathy. Last evaluated: 2023-12-07. Review status: criteria provided, single submitter. Criteria: ACMG Guidelines, 2015. Collection method: clinical testing. Allele origin: germline. Inheritance: Autosomal dominant inheritance. Observed: 3 variant alleles, 3 heterozygotes.
Comment: This variant is located in the PRKAG2 protein. To our knowledge, functional studies have not been reported for this variant. This variant has not been reported in individuals affected with PRKAG2-related disorders in the literature. This variant has not been identified in the general population by the Genome Aggregation Database (gnomAD). The available evidence is insufficient to determine the role of this variant in disease conclusively. Therefore, this variant is classified as a Variant of Uncertain Significance.

This study involves interpretation of variants in research participants for the purpose of population health screening. Participant phenotype was not available at the time of variant classification. Additional details can be found in publication PMID: 35346344, PMCID: PMC8962531

CeGaT Center for Human Genetics Tuebingen
Classification: Likely benign. Last evaluated: 2023-01-01. Review status: criteria provided, single submitter. Criteria: CeGaT Center For Human Genetics Tuebingen Variant Classification Criteria Version 2. Collection method: clinical testing. Allele origin: germline. Affected: yes. Observed: 1 variant allele.
Comment: PRKAG2: BP4

Ambry Genetics
Classification: Likely benign for Cardiovascular phenotype. Last evaluated: 2019-07-25. Review status: criteria provided, single submitter. Criteria: Ambry Variant Classification Scheme 2023. Collection method: clinical testing. Allele origin: germline.

CHEO Genetics Diagnostic Laboratory, Children's Hospital of Eastern Ontario
Classification: Likely benign for Cardiomyopathy. Last evaluated: 2017-06-19. Review status: criteria provided, single submitter. Criteria: ACMG Guidelines, 2015. Collection method: clinical testing. Allele origin: germline. Study: Canadian Open Genetics Repository.

GeneDx
Classification: Likely benign. Last evaluated: 2016-07-26. Review status: criteria provided, single submitter. Criteria: GeneDx Variant Classification (06012015). Collection method: clinical testing. Allele origin: germline. Affected: yes.
Comment: This variant is considered likely benign or benign based on one or more of the following criteria: it is a conservative change, it occurs at a poorly conserved position in the protein, it is predicted to be benign by multiple in silico algorithms, and/or has population frequency not consistent with disease.

PreventionGenetics, part of Exact Sciences
Classification: Likely benign for PRKAG2-related condition. Last evaluated: 2020-09-02. Review status: no assertion criteria provided. Collection method: clinical testing. Allele origin: germline. Not counted in ClinVar's aggregate classification.
Comment: This variant is classified as likely benign based on ACMG/AMP sequence variant interpretation guidelines (Richards et al. 2015 PMID: 25741868, with internal and published modifications).